The following is an entry in ClinVar:

NM_001349253.2(SCN11A):c.3269T>A (p.Leu1090Gln)

Gene: SCN11A (sodium voltage-gated channel alpha subunit 11; minus strand). Cytogenetic location: 3p22.2.
Variant type: single nucleotide variant.
Coding change: c.3269T>A on transcript NM_001349253.2 (MANE Select); coding-DNA position 3269, T replaced by A.
Protein change: p.Leu1090Gln; replaces leucine 1090 with glutamine.
Molecular consequence: missense variant.
Genome position (GRCh38, 1-based): chr3:38,880,074, A>T on the plus strand (T>A on the coding strand, the complement: SCN11A is on the minus strand). VCF-style: chr3-38880074-A-T. GRCh37 (hg19) VCF-style: chr3-38921565-A-T.
Other names: c.3269T>A, p.Leu1090Gln (NM_014139.3); short protein forms L1090Q.
Identifiers: ClinVar variation 4885442 (VCV004885442.2).

ClinVar aggregate classification (germline): Uncertain significance (1 of 4 stars; one submission).

Submission:

Dasa
Classification: Uncertain significance. Last evaluated: 2025-03-26. Review status: criteria provided, single submitter. Criteria: DASA Assertion Criteria. Collection method: clinical testing. Allele origin: germline.
Comment: NM_001349253.2(SCN11A):c.3269T>A (p.Leu1090Gln) is a missense variant that results in the substitution of leucine with glutamine. This variant is absent from population databases. Computational prediction algorithms are consistent with a deleterious effect. The currently available literature and clinical evidence are not sufficient to establish a definitive association between this variant and the reported condition. Therefore, this variant is classified as a variant of uncertain significance.